The following is an entry in ClinVar:

NM_005619.5(RTN2):c.*51T>C

Genes: OPA3-RTN2 (OPA3-RTN2 readthrough; minus strand), RTN2 (reticulon 2; minus strand). Cytogenetic location: 19q13.32.
Variant type: single nucleotide variant.
Coding change: c.*51T>C on transcript NM_005619.5 (MANE Select); 51 bases downstream of the stop codon, T replaced by C.
Molecular consequence: 3 prime UTR variant.
Genome position (GRCh38, 1-based): chr19:45,485,657, A>G on the plus strand (T>C on the coding strand, the complement: RTN2 is on the minus strand). VCF-style: chr19-45485657-A-G. GRCh37 (hg19) VCF-style: chr19-45988915-A-G.
Other names: c.*51T>C (NM_206900.3, NM_206901.3).
Identifiers: ClinVar variation 329546 (VCV000329546.5), dbSNP rs569611116, ClinGen allele CA9515868.

ClinVar aggregate classification (germline): Likely benign (1 of 4 stars; one submission).

Conditions:
Hereditary spastic paraplegia 12 (SPG12). Also called: SPASTIC PARAPLEGIA 12, AUTOSOMAL DOMINANT. Identifiers: Orphanet 100993, MedGen C1858106, MONDO:0011489, OMIM 604805.

Allele frequency attached by ClinVar (database versions not stated): gnomAD exomes 0.00010 and 0.00013; ExAC 0.00011; 1000 Genomes Project 30x 0.00016; gnomAD 0.00016 and 0.00021; 1000 Genomes Project 0.00020; TOPMed 0.00021.

Submission:

Illumina Laboratory Services, Illumina
Classification: Likely benign for Hereditary spastic paraplegia 12. Last evaluated: 2018-01-13. Review status: criteria provided, single submitter. Criteria: ICSL Variant Classification Criteria 13 December 2019. Collection method: clinical testing. Allele origin: germline.
Comment: This variant was observed in the ICSL laboratory as part of a predisposition screen in an ostensibly healthy population. It had not been previously curated by ICSL or reported in the Human Gene Mutation Database (HGMD: prior to June 1st, 2018), and was therefore a candidate for classification through an automated scoring system. Utilizing variant allele frequency, disease prevalence and penetrance estimates, and inheritance mode, an automated score was calculated to assess if this variant is too frequent to cause the disease. Based on the score and internal cut-off values, a variant classified as likely benign is not then subjected to further curation. The score for this variant resulted in a classification of likely benign for this disease.